The following is an entry in ClinVar:

ClinVar aggregate classification (germline): Likely pathogenic. Review status: criteria provided, single submitter (1 of 4 stars). 3 submissions from 2 submitters: Likely pathogenic (1). 2 of the submissions do not count toward it. Last evaluated 2026-09-08.

Conditions:
Fabry disease. Also called: ALPHA-GALACTOSIDASE A DEFICIENCY; ANDERSON-FABRY DISEASE; CERAMIDE TRIHEXOSIDASE DEFICIENCY; Fabry's disease; Angiokeratoma corporis diffusum; Ceramide trihexosidosis. Identifiers: Orphanet 324, MedGen C0002986, MONDO:0010526, OMIM 301500, HP:0001071. Disease mechanism: loss of function, Fabry disease is due to inactivating mutations in the X-linked GLA gene resulting in deficiency of the enzyme Alpha Galactosidase-A..
Migalastat response. Also called: 1-Deoxygalactonojirimycin response; Galafold response. Identifiers: MedGen CN233149.

Submissions (3):

Genomenon, Inc
Classification: Likely pathogenic for Fabry disease. Last evaluated: 2026-09-08. Review status: criteria provided, single submitter. Criteria: Genomenon Sequence Variant Interpretation Standards - Updated. Collection method: curation. Allele origin: germline. Affected: yes.
Comment: GLA p.Asp33Gly (c.98A>G) is a missense variant that changes the amino acid at codon 33 from Aspartic acid to Glycine. This variant has been observed in at least one proband with clinical features consistent with Fabry disease (PMID:26415523;30834538;27657681;24167512;35743707;28756410). The variant was found to segregate with disease in at least one affected family (PMID:35743707). Functional studies have been reported (PMID:26415523;32023956;27657681;30723321). It is absent or not present at a significant frequency in gnomAD. In silico models predict that this variant is possibly or probably damaging. In conclusion, we classify GLA p.Asp33Gly (c.98A>G) as a likely pathogenic variant.

Albrecht-Kossel-Institute, Medical University Rostock
Classification: Pathogenic for Fabry's disease. Last evaluated: 2014-01-01. Review status: no assertion criteria provided. Collection method: research. Allele origin: inherited. Not counted in ClinVar's aggregate classification.

Albrecht-Kossel-Institute, Medical University Rostock
Classification: drug response for deoxygalactonojirimycin response. Last evaluated: 2014-01-01. Review status: no assertion criteria provided. Collection method: research. Allele origin: inherited. Not counted in ClinVar's aggregate classification.

Literature cited by the submitters: PubMed 26415523 (cited by Genomenon, Inc and Albrecht-Kossel-Institute, Medical University Rostock); PubMed 30834538 (cited by Genomenon, Inc); PubMed 27657681 (cited by Genomenon, Inc); PubMed 24167512 (cited by Genomenon, Inc); PubMed 35743707 (cited by Genomenon, Inc); PubMed 28756410 (cited by Genomenon, Inc); PubMed 32023956 (cited by Genomenon, Inc); PubMed 30723321 (cited by Genomenon, Inc).

NM_000169.3(GLA):c.98A>G (p.Asp33Gly)

Genes: GLA (galactosidase alpha; minus strand), RPL36A-HNRNPH2 (RPL36A-HNRNPH2 readthrough; plus strand). Cytogenetic location: Xq22.1.
Variant type: single nucleotide variant.
Coding change: c.98A>G on transcript NM_000169.3 (MANE Select); coding-DNA position 98, A replaced by G.
Protein change: p.Asp33Gly; replaces aspartic acid 33 with glycine.
Molecular consequence: missense variant. On other transcripts: non-coding transcript variant (3), intron variant (2).
Genome position (GRCh38, 1-based): chrX:101,407,806, T>C on the plus strand (A>G on the coding strand, the complement: GLA is on the minus strand). VCF-style: chrX-101407806-T-C. GRCh37 (hg19) VCF-style: chrX-100662794-T-C.
Other names: c.98A>G, p.Asp33Gly (NM_001406747.1, NM_001406748.1, NM_001406749.1); c.301-4130T>C (NM_001199973.2); c.178-4130T>C (NM_001199974.2); short protein forms D33G.
Identifiers: ClinVar variation 217375 (VCV000217375.3), dbSNP rs869312136, ClinGen allele CA353071.